The following is an entry in ClinVar:

NC_000006.11:g.(?_131900217)_(131902528_?)del

Genes: ARG1 (arginase 1; plus strand), MED23 (mediator complex subunit 23; minus strand). Cytogenetic location: 6q23.2.
Variant type: Deletion.
Identifiers: ClinVar variation 2422189 (VCV002422189.4).

ClinVar aggregate classification (germline): Pathogenic (1 of 4 stars; one submission).

Conditions:
Arginase deficiency. Also called: Arginase 1 Deficiency; ARGININEMIA; ARG1 DEFICIENCY. Identifiers: Orphanet 90, MedGen C0268548, MONDO:0008814, OMIM 207800.

Submission:

Labcorp Genetics (formerly Invitae), Labcorp
Classification: Pathogenic for Arginase deficiency. Last evaluated: 2022-08-19. Review status: criteria provided, single submitter. Criteria: Invitae Variant Classification Sherloc (09022015). Collection method: clinical testing. Allele origin: germline.
Comment: For these reasons, this variant has been classified as Pathogenic. This variant has not been reported in the literature in individuals affected with ARG1-related conditions. This variant is a gross deletion of the genomic region encompassing exon(s) 3-4 of the ARG1 gene. This deletion is out-of-frame, and is expected to create a premature termination codon and result in an absent or disrupted protein product. Loss-of-function variants in ARG1 are known to be pathogenic (PMID: 7649538, 12052859).

Literature cited by the submitters: PubMed 7649538; PubMed 12052859.